The following is an entry in ClinVar:

ClinVar aggregate classification (germline): Likely pathogenic (1 of 4 stars; one submission).

Allele frequency attached by ClinVar (database versions not stated): gnomAD 0.00001; ExAC 0.00001; gnomAD exomes below 0.00001; TOPMed 0.00002.
gnomAD v4.1: 12 of 1,612,430 alleles (0.00074%); highest among the groups gnomAD compares: Non-Finnish European, 0.00093%; no homozygotes.

Submission:

GeneDx
Classification: Likely pathogenic. Last evaluated: 2016-05-11. Review status: criteria provided, single submitter. Criteria: GeneDx Variant Classification (06012015). Collection method: clinical testing. Allele origin: germline. Affected: yes.
Comment: The P3736L variant in the DYNC2H1 gene has not been reported previously as a pathogenic variant, nor as a benign variant, to our knowledge. The P3736L variant was not observed in approximately 5900 individuals of European and African American ancestry in the NHLBI Exome Sequencing Project, indicating it is not a common benign variant in these populations. The P3736L variant is a semi-conservative amino acid substitution, which may impact secondary protein structure as these residues differ in some properties. This substitution occurs at a position that is conserved across species. In silico analysis predicts this variant is probably damaging to the protein structure/function. A missense variant in a nearby residue (S3741P) has been reported in association with asphyxiating thoracic dystrophy (Baujat et al., 2013), supporting the functional importance of this region of the protein. The P3736L variant is a strong candidate for a pathogenic variant, however the possibility it may be a rare benign variant cannot be excluded.

NM_001377.3(DYNC2H1):c.11186C>T (p.Pro3729Leu)

Gene: DYNC2H1 (dynein cytoplasmic 2 heavy chain 1; plus strand). Cytogenetic location: 11q22.3.
Variant type: single nucleotide variant.
Coding change: c.11186C>T on transcript NM_001377.3 (MANE Select); coding-DNA position 11186, C replaced by T.
Protein change: p.Pro3729Leu; replaces proline 3729 with leucine.
Molecular consequence: missense variant.
Genome position (GRCh38, 1-based): chr11:103,303,183, C>T. VCF-style: chr11-103303183-C-T. GRCh37 (hg19) VCF-style: chr11-103173912-C-T.
Other names: c.11207C>T, p.Pro3736Leu (NM_001080463.2); short protein forms P3736L, P3729L.
Identifiers: ClinVar variation 449739 (VCV000449739.2), dbSNP rs775971666, ClinGen allele CA6255178.